The following is an entry in ClinVar:

ClinVar aggregate classification (germline): Uncertain significance. Review status: criteria provided, multiple submitters, no conflicts (2 of 4 stars). 2 submissions from 2 submitters: Uncertain significance (2). Last evaluated 2024-01-22.

Conditions:
Neurocutaneous melanocytosis (NCMS). Also called: NEUROCUTANEOUS MELANOSIS, SOMATIC; NEUROMELANOSIS. Identifiers: Orphanet 2481, MedGen C0544862, MONDO:0009578, OMIM 249400.
Autoimmune lymphoproliferative syndrome type 4. Also called: RAS-associated autoimmune leukoproliferative disorder; AUTOIMMUNE LYMPHOPROLIFERATIVE SYNDROME, TYPE IV. Identifiers: Orphanet 268114, MedGen C2674723, MONDO:0013767, OMIM 614470.
Epidermal nevus. Also called: NEVUS, KERATINOCYTIC, NONEPIDERMOLYTIC; Nevus, epidermal, somatic. Identifiers: Orphanet 79414, MedGen C0334082, MONDO:0008093, OMIM 162900, HP:0010816.
Colorectal cancer. Also called: Malignant Colorectal Neoplasm; Colorectal cancer, somatic. Identifiers: MedGen C0346629, MONDO:0005575, OMIM 114500.
Thyroid cancer, nonmedullary, 2 (NMTC2). Also called: Thyroid carcinoma, follicular, somatic; THYROID CANCER, NONMEDULLARY, 2, SUSCEPTIBILITY TO; THYROID CARCINOMA, FOLLICULAR. Identifiers: MedGen C4225426, MONDO:0008566, OMIM 188470.
Noonan syndrome 6 (NS6). Also called: NRAS-Related Noonan Syndrome. Identifiers: Orphanet 648, MedGen C2750732, MONDO:0013186, OMIM 613224.
Large congenital melanocytic nevus (CMNS). Also called: Congenital giant melanocytic nevus; MELANOCYTIC NEVUS SYNDROME, CONGENITAL, SOMATIC; PIGMENTED MOLES; Giant congenital nevus; Giant hairy nevus; Bathing trunk nevus. Identifiers: Orphanet 626, MedGen C1842036, MONDO:0044792, OMIM 137550, HP:0005600.
Linear nevus sebaceous syndrome. Also called: NEVUS SEBACEUS OF JADASSOHN; ORGANOID NEVUS PHAKOMATOSIS; SFM SYNDROME; Sebaceous nevus syndrome and hemimegalencephaly; SCHIMMELPENNING-FEUERSTEIN-MIMS SYNDROME, SOMATIC MOSAIC; Linear nevus sebaceous. Identifiers: Orphanet 2612, MedGen C4552097, MONDO:0008097, OMIM 163200, HP:0010817.
RASopathy. Also called: rasopathies; Noonan spectrum disorder. Identifiers: Orphanet 536391, MedGen C5555857, MONDO:0021060.

Allele frequency attached by ClinVar (database versions not stated): gnomAD exomes below 0.00001.
gnomAD v4.1: 2 of 1,613,776 alleles (0.00012%); highest among the groups gnomAD compares: Non-Finnish European, 0.00017%; no homozygotes.

Submissions (2):

Labcorp Genetics (formerly Invitae), Labcorp
Classification: Uncertain significance for RASopathy. Last evaluated: 2024-01-22. Review status: criteria provided, single submitter. Criteria: Invitae Variant Classification Sherloc (09022015). Collection method: clinical testing. Allele origin: germline.
Comment: This sequence change replaces valine, which is neutral and non-polar, with isoleucine, which is neutral and non-polar, at codon 9 of the NRAS protein (p.Val9Ile). This variant is not present in population databases (gnomAD no frequency). This variant has not been reported in the literature in individuals affected with NRAS-related conditions. ClinVar contains an entry for this variant (Variation ID: 477662). Advanced modeling of protein sequence and biophysical properties (such as structural, functional, and spatial information, amino acid conservation, physicochemical variation, residue mobility, and thermodynamic stability) performed at Invitae indicates that this missense variant is expected to disrupt NRAS protein function with a positive predictive value of 95%. In summary, the available evidence is currently insufficient to determine the role of this variant in disease. Therefore, it has been classified as a Variant of Uncertain Significance.

Fulgent Genetics
Classification: Uncertain significance for Colorectal cancer; Large congenital melanocytic nevus; Epidermal nevus; Linear nevus sebaceous syndrome; Thyroid cancer, nonmedullary, 2; Neurocutaneous melanocytosis; Noonan syndrome 6; Autoimmune lymphoproliferative syndrome type 4. Last evaluated: 2021-08-18. Review status: criteria provided, single submitter. Criteria: ACMG Guidelines, 2015. Collection method: clinical testing. Allele origin: unknown.

NM_002524.5(NRAS):c.25G>A (p.Val9Ile)

Gene: NRAS (NRAS proto-oncogene, GTPase; minus strand). Cytogenetic location: 1p13.2.
Variant type: single nucleotide variant.
Coding change: c.25G>A on transcript NM_002524.5 (MANE Select); coding-DNA position 25, G replaced by A.
Protein change: p.Val9Ile; replaces valine 9 with isoleucine.
Molecular consequence: missense variant.
Genome position (GRCh38, 1-based): chr1:114,716,136, C>T on the plus strand (G>A on the coding strand, the complement: NRAS is on the minus strand). VCF-style: chr1-114716136-C-T. GRCh37 (hg19) VCF-style: chr1-115258757-C-T.
Other names: short protein forms V9I.
Identifiers: ClinVar variation 477662 (VCV000477662.10), dbSNP rs1553244682, ClinGen allele CA341742733.